The following is an entry in ClinVar:

NM_033028.5(BBS4):c.1311_1312insT (p.Lys438Ter)

Gene: BBS4 (Bardet-Biedl syndrome 4; plus strand). Cytogenetic location: 15q24.1.
Variant type: Insertion.
Coding change: c.1311_1312insT on transcript NM_033028.5 (MANE Select); coding-DNA positions 1311 to 1312, T inserted.
Protein change: p.Lys438Ter; replaces lysine 438 with a stop codon.
Molecular consequence: nonsense. On other transcripts: non-coding transcript variant (2).
Genome position: GRCh38 VCF-style: chr15-72736824-C-CT. GRCh37 (hg19) VCF-style: chr15-73029165-C-CT.
Other names: c.795_796insT, p.Lys266Ter (NM_001252678.2); c.1242_1243insT, p.Lys415Ter (NM_001320665.2); short protein forms K266*, K415*, K438*.
Identifiers: ClinVar variation 1324345 (VCV001324345.6), ClinGen allele CA919588266.

ClinVar aggregate classification (germline): Pathogenic. Review status: criteria provided, single submitter (1 of 4 stars). 2 submissions from 2 submitters: Pathogenic (1). 1 of the submissions does not count toward it. Last evaluated 2020-06-18.

Conditions:
Bardet-Biedl syndrome 4 (BBS4). Identifiers: Orphanet 110, MedGen C2936864, MONDO:0014433, OMIM 615982.
BBS4-related disorder. Also called: BBS4-related condition.

Submissions (2):

Revvity Omics, Revvity
Classification: Pathogenic for Bardet-Biedl syndrome 4. Last evaluated: 2020-06-18. Review status: criteria provided, single submitter. Criteria: ACMG Guidelines, 2015. Collection method: clinical testing. Allele origin: germline.

PreventionGenetics, part of Exact Sciences
Classification: Likely pathogenic for BBS4-related condition. Last evaluated: 2024-01-05. Review status: no assertion criteria provided. Collection method: clinical testing. Allele origin: germline. Not counted in ClinVar's aggregate classification.
Comment: The BBS4 c.1311_1312insT variant is predicted to result in premature protein termination (p.Lys438*). This variant was reported in the compound heterozygous state in an individual with retinal dystrophy (Supplementary data in Patel et al 2016. PubMed ID: 26355662). This variant has not been reported in a large population database, indicating this variant is rare. Nonsense variants in BBS4 are expected to be pathogenic. This variant is interpreted as likely pathogenic.